The following is an entry in ClinVar:

NM_005751.5(AKAP9):c.5831T>A (p.Ile1944Lys)

Gene: AKAP9 (A-kinase anchoring protein 9; plus strand). Cytogenetic location: 7q21.2.
Variant type: single nucleotide variant.
Coding change: c.5831T>A on transcript NM_005751.5 (MANE Select); coding-DNA position 5831, T replaced by A.
Protein change: p.Ile1944Lys; replaces isoleucine 1944 with lysine.
Molecular consequence: missense variant.
Genome position (GRCh38, 1-based): chr7:92,062,340, T>A. VCF-style: chr7-92062340-T-A. GRCh37 (hg19) VCF-style: chr7-91691654-T-A.
Other names: c.476T>A, p.Ile159Lys (NM_001379277.1); c.5831T>A, p.Ile1944Lys (NM_147185.3); short protein forms I159K, I1944K.
Identifiers: ClinVar variation 3849223 (VCV003849223.1).

ClinVar aggregate classification (germline): Uncertain significance (1 of 4 stars; one submission).

Conditions:
Cardiovascular phenotype. Identifiers: MedGen CN230736.

gnomAD v4.1: 3 of 1,613,898 alleles (0.00019%); highest among the groups gnomAD compares: Non-Finnish European, 0.00017%; no homozygotes.

Submission:

Ambry Genetics
Classification: Uncertain significance for Cardiovascular phenotype. Last evaluated: 2024-12-21. Review status: criteria provided, single submitter. Criteria: Ambry Variant Classification Scheme 2023. Collection method: clinical testing. Allele origin: germline.
Comment: The p.I1944K variant (also known as c.5831T>A), located in coding exon 24 of the AKAP9 gene, results from a T to A substitution at nucleotide position 5831. The isoleucine at codon 1944 is replaced by lysine, an amino acid with dissimilar properties. This amino acid position is conserved. In addition, this alteration is predicted to be tolerated by in silico analysis. Based on the available evidence, the clinical significance of this variant remains unclear.